The following is an entry in ClinVar:

NM_001080517.3(SETD5):c.2307G>T (p.Arg769Ser)

Gene: SETD5 (SET domain containing 5; plus strand). Cytogenetic location: 3p25.3.
Variant type: single nucleotide variant.
Coding change: c.2307G>T on transcript NM_001080517.3 (MANE Select); coding-DNA position 2307, G replaced by T.
Protein change: p.Arg769Ser; replaces arginine 769 with serine.
Molecular consequence: missense variant.
Genome position (GRCh38, 1-based): chr3:9,448,591, G>T. VCF-style: chr3-9448591-G-T. GRCh37 (hg19) VCF-style: chr3-9490275-G-T.
Other names: c.2307G>T (NM_001080517.2); c.2013G>T, p.Arg671Ser (NM_001292043.2, NM_001349451.2); short protein forms R671S, R769S.
Identifiers: ClinVar variation 1201504 (VCV001201504.33), dbSNP rs200540210, ClinGen allele CA2239399.

ClinVar aggregate classification (germline): Benign/Likely benign. Review status: criteria provided, multiple submitters, no conflicts (2 of 4 stars). 4 submissions from 4 submitters: Benign (1); Likely benign (2). 1 of the submissions does not count toward it. Last evaluated 2025-09-01.

Conditions:
SETD5-related disorder. Also called: SETD5-related disorders; SETD5-related condition.

Allele frequency attached by ClinVar (database versions not stated): ESP Exome Variant Server 0.00016; gnomAD exomes 0.00018 and 0.00048; ExAC 0.00019; TOPMed 0.00027; gnomAD 0.00029 and 0.00032.
gnomAD v4.1: 766 of 1,606,334 alleles (0.048%); highest among the groups gnomAD compares: Non-Finnish European, 0.06%; no homozygotes.

Submissions (4):

CeGaT Center for Human Genetics Tuebingen
Classification: Benign. Last evaluated: 2025-09-01. Review status: criteria provided, single submitter. Criteria: CeGaT Center For Human Genetics Tuebingen Variant Classification Criteria Version 2. Collection method: clinical testing. Allele origin: germline. Affected: yes. Observed: 3 variant alleles.
Comment: SETD5: BS1, BS2

Labcorp Genetics (formerly Invitae), Labcorp
Classification: Likely benign. Last evaluated: 2025-03-28. Review status: criteria provided, single submitter. Criteria: Invitae Variant Classification Sherloc (09022015). Collection method: clinical testing. Allele origin: germline.

GeneDx
Classification: Likely benign. Last evaluated: 2021-02-24. Review status: criteria provided, single submitter. Criteria: GeneDx Variant Classification Process June 2021. Collection method: clinical testing. Allele origin: germline. Affected: yes.

PreventionGenetics, part of Exact Sciences
Classification: Likely benign for SETD5-related condition. Last evaluated: 2021-07-12. Review status: no assertion criteria provided. Collection method: clinical testing. Allele origin: germline. Not counted in ClinVar's aggregate classification.
Comment: This variant is classified as likely benign based on ACMG/AMP sequence variant interpretation guidelines (Richards et al. 2015 PMID: 25741868, with internal and published modifications).